The following is an entry in ClinVar:

NM_001958.5(EEF1A2):c.195G>A (p.Ala65=)

Gene: EEF1A2 (eukaryotic translation elongation factor 1 alpha 2; minus strand). Cytogenetic location: 20q13.33.
Variant type: single nucleotide variant.
Coding change: c.195G>A on transcript NM_001958.5 (MANE Select); coding-DNA position 195, G replaced by A.
Protein change: p.Ala65=; no amino-acid change (alanine 65 retained).
Molecular consequence: synonymous variant.
Genome position (GRCh38, 1-based): chr20:63,495,985, C>T on the plus strand (G>A on the coding strand, the complement: EEF1A2 is on the minus strand). VCF-style: chr20-63495985-C-T. GRCh37 (hg19) VCF-style: chr20-62127338-C-T.
Identifiers: ClinVar variation 2991111 (VCV002991111.13), dbSNP rs772032548, ClinGen allele CA9959160.
Genomic context (GRCh38, chr20:63,495,985, plus strand): 5'-GTACTTGGTGGTCTCGAACTTCCAGAGGGAGATGTCGATGGTGATGCCGCGCTCACGCTC[C>T]GCCTTCAGCTTGTCCAGCACCCAGGCATACTTGAAGGATCCCTTCCCCATCTGGAGCGGG-3'
Protein context (NP_001949.1, residues 55-75): KYAWVLDKLK[Ala65=]ERERGITIDI

ClinVar aggregate classification (germline): Likely benign. Review status: criteria provided, multiple submitters, no conflicts (2 of 4 stars). 2 submissions from 2 submitters: Likely benign (2). Last evaluated 2025-04-01.

Conditions:
Developmental and epileptic encephalopathy, 33 (DEE33). Also called: Epileptic encephalopathy, early infantile, 33. Identifiers: Orphanet 442835, MedGen C4225337, MONDO:0014625, OMIM 616409.

Allele frequency attached by ClinVar (database versions not stated): gnomAD exomes 0.00001; TOPMed 0.00001; ExAC 0.00002; gnomAD 0.00002.
gnomAD v4.1: 17 of 1,612,928 alleles (0.0011%); highest among the groups gnomAD compares: South Asian, 0.0033%; no homozygotes.

Submissions (2):

CeGaT Center for Human Genetics Tuebingen
Classification: Likely benign. Last evaluated: 2025-04-01. Review status: criteria provided, single submitter. Criteria: CeGaT Center For Human Genetics Tuebingen Variant Classification Criteria Version 2. Collection method: clinical testing. Allele origin: germline. Affected: yes. Observed: 1 variant allele.
Comment: EEF1A2: BP4, BP7

Labcorp Genetics (formerly Invitae), Labcorp
Classification: Likely benign for Developmental and epileptic encephalopathy, 33. Last evaluated: 2024-01-23. Review status: criteria provided, single submitter. Criteria: Invitae Variant Classification Sherloc (09022015). Collection method: clinical testing. Allele origin: germline.